The following is an entry in ClinVar:

NM_001184.4(ATR):c.4451G>A (p.Gly1484Asp)

Gene: ATR (ATR serine/threonine kinase; minus strand). Cytogenetic location: 3q23.
Variant type: single nucleotide variant.
Coding change: c.4451G>A on transcript NM_001184.4 (MANE Select); coding-DNA position 4451, G replaced by A.
Protein change: p.Gly1484Asp; replaces glycine 1484 with aspartic acid.
Molecular consequence: missense variant.
Genome position (GRCh38, 1-based): chr3:142,515,447, C>T on the plus strand (G>A on the coding strand, the complement: ATR is on the minus strand). VCF-style: chr3-142515447-C-T. GRCh37 (hg19) VCF-style: chr3-142234289-C-T.
Other names: c.4259G>A, p.Gly1420Asp (NM_001354579.2); short protein forms G1420D, G1484D.
Identifiers: ClinVar variation 3462518 (VCV003462518.1).

ClinVar aggregate classification (germline): Uncertain significance (1 of 4 stars; one submission).

Conditions:
Inborn genetic diseases. Identifiers: MedGen C0950123, MeSH D030342.

gnomAD v4.1: 1 of 1,613,618 alleles (0.000062%); highest among the groups gnomAD compares: Non-Finnish European, 0.000085%; no homozygotes.

Submission:

Ambry Genetics
Classification: Uncertain significance for Inborn genetic diseases. Last evaluated: 2024-08-07. Review status: criteria provided, single submitter. Criteria: Ambry Variant Classification Scheme 2023. Collection method: clinical testing. Allele origin: germline.
Comment: The p.G1484D variant (also known as c.4451G>A), located in coding exon 25 of the ATR gene, results from a G to A substitution at nucleotide position 4451. The glycine at codon 1484 is replaced by aspartic acid, an amino acid with similar properties. This amino acid position is conserved. In addition, this alteration is predicted to be tolerated by in silico analysis. Based on the available evidence, the clinical significance of this variant remains unclear.